The following is an entry in ClinVar:

ClinVar aggregate classification (germline): Likely benign. Review status: criteria provided, single submitter (1 of 4 stars). 2 submissions from 2 submitters: Likely benign (1). 1 of the submissions does not count toward it. Last evaluated 2025-08-31.

Conditions:
Familial hemophagocytic lymphohistiocytosis 5. Also called: STXBP2-Related Familial Hemophagocytic Lymphohistiocytosis (STXBP2-fHLH). Identifiers: Orphanet 540, MedGen C2751293, MONDO:0013135, OMIM 613101.
STXBP2-related disorder. Also called: STXBP2-related condition.

Allele frequency attached by ClinVar (database versions not stated): gnomAD exomes 0.00005 and 0.00003; ExAC 0.00001; gnomAD 0.00003 and 0.00004; TOPMed 0.00003.
gnomAD v4.1: 73 of 1,613,252 alleles (0.0045%); highest among the groups gnomAD compares: Non-Finnish European, 0.0057%; no homozygotes.

Submissions (2):

Labcorp Genetics (formerly Invitae), Labcorp
Classification: Likely benign for Familial hemophagocytic lymphohistiocytosis 5. Last evaluated: 2025-08-31. Review status: criteria provided, single submitter. Criteria: Invitae Variant Classification Sherloc (09022015). Collection method: clinical testing. Allele origin: germline.

PreventionGenetics, part of Exact Sciences
Classification: Likely benign for STXBP2-related condition. Last evaluated: 2019-10-28. Review status: no assertion criteria provided. Collection method: clinical testing. Allele origin: germline. Not counted in ClinVar's aggregate classification.
Comment: This variant is classified as likely benign based on ACMG/AMP sequence variant interpretation guidelines (Richards et al. 2015 PMID: 25741868, with internal and published modifications).

NM_006949.4(STXBP2):c.1548C>T (p.Phe516=)

Gene: STXBP2 (syntaxin binding protein 2; plus strand). Cytogenetic location: 19p13.2.
Variant type: single nucleotide variant.
Coding change: c.1548C>T on transcript NM_006949.4 (MANE Select); coding-DNA position 1548, C replaced by T.
Protein change: p.Phe516=; no amino-acid change (phenylalanine 516 retained).
Molecular consequence: synonymous variant. On other transcripts: non-coding transcript variant (1).
Genome position (GRCh38, 1-based): chr19:7,647,363, C>T. VCF-style: chr19-7647363-C-T. GRCh37 (hg19) VCF-style: chr19-7712249-C-T.
Other names: c.1548C>T (NM_006949.3); c.1539C>T, p.Phe513= (NM_001127396.3); c.1581C>T, p.Phe527= (NM_001272034.2).
Identifiers: ClinVar variation 1552165 (VCV001552165.10), dbSNP rs201641708, ClinGen allele CA9144257.